The following is an entry in ClinVar:

NM_000036.3(AMPD1):c.499C>T (p.Arg167Trp)

Gene: AMPD1 (adenosine monophosphate deaminase 1; minus strand). Cytogenetic location: 1p13.2.
Variant type: single nucleotide variant.
Coding change: c.499C>T on transcript NM_000036.3 (MANE Select); coding-DNA position 499, C replaced by T.
Protein change: p.Arg167Trp; replaces arginine 167 with tryptophan.
Molecular consequence: missense variant.
Genome position (GRCh38, 1-based): chr1:114,684,247, G>A on the plus strand (C>T on the coding strand, the complement: AMPD1 is on the minus strand). VCF-style: chr1-114684247-G-A. GRCh37 (hg19) VCF-style: chr1-115226868-G-A.
Other names: c.598C>T (NM_000036.2); c.487C>T, p.Arg163Trp (NM_001172626.2); short protein forms R163W, R167W.
Identifiers: ClinVar variation 2082823 (VCV002082823.2), dbSNP rs747662901, ClinGen allele CA1020421.
Genomic context (GRCh38, chr1:114,684,247, plus strand): 5'-GAGAATTGTTACCTGGATAGAAGCTCTCATTTGCTACCCAAGCCTCACCATCAATGTTCC[G>A]CAAGTATTTGGAAGGGGTTTTAGGGAACCTCTGAAACGACTTCTGCATGTATTTCTCACG-3'
Protein context (NP_000027.3, residues 157-177): RFPKTPSKYL[Arg167Trp]NIDGEAWVAN

ClinVar aggregate classification (germline): Uncertain significance. Review status: criteria provided, multiple submitters, no conflicts (2 of 4 stars). 2 submissions from 2 submitters: Uncertain significance (2). Last evaluated 2025-01-21.

Conditions:
Inborn genetic diseases. Identifiers: MedGen C0950123, MeSH D030342.
Muscle AMP deaminase deficiency (MMDD). Also called: Myoadenylate deaminase deficiency, myopathy due to; Adenosine monophosphate deaminase 1 deficiency; AMP deaminase 1 deficiency; Adenosine Monophosphate Deaminase 1; AMPD1 DEFICIENCY; ADENOSINE MONOPHOSPHATE DEAMINASE-1 DEFICIENCY, MYOPATHY DUE TO. Identifiers: Orphanet 45, MedGen C3714933, MONDO:0014220, OMIM 615511.

Allele frequency attached by ClinVar (database versions not stated): ExAC 0.00004; TOPMed 0.00004; gnomAD 0.00007.
gnomAD v4.1: 28 of 1,613,882 alleles (0.0017%); highest among the groups gnomAD compares: African/African-American, 0.015%; no homozygotes.

Submissions (2):

Ambry Genetics
Classification: Uncertain significance for Inborn genetic diseases. Last evaluated: 2025-01-21. Review status: criteria provided, single submitter. Criteria: Ambry Variant Classification Scheme 2023. Collection method: clinical testing. Allele origin: germline.

Labcorp Genetics (formerly Invitae), Labcorp
Classification: Uncertain significance for Muscle AMP deaminase deficiency. Last evaluated: 2022-07-31. Review status: criteria provided, single submitter. Criteria: Invitae Variant Classification Sherloc (09022015). Collection method: clinical testing. Allele origin: germline.
Comment: This sequence change replaces arginine, which is basic and polar, with tryptophan, which is neutral and slightly polar, at codon 200 of the AMPD1 protein (p.Arg200Trp). This variant is present in population databases (rs747662901, gnomAD 0.01%). This variant has not been reported in the literature in individuals affected with AMPD1-related conditions. Algorithms developed to predict the effect of missense changes on protein structure and function are either unavailable or do not agree on the potential impact of this missense change (SIFT: "Deleterious"; PolyPhen-2: "Probably Damaging"; Align-GVGD: "Class C0"). In summary, the available evidence is currently insufficient to determine the role of this variant in disease. Therefore, it has been classified as a Variant of Uncertain Significance.